The following is an entry in ClinVar:

NM_001045.6(SLC6A4):c.1395C>T (p.Phe465=)

Gene: SLC6A4 (solute carrier family 6 member 4; minus strand). Cytogenetic location: 17q11.2.
Variant type: single nucleotide variant.
Coding change: c.1395C>T on transcript NM_001045.6 (MANE Select); coding-DNA position 1395, C replaced by T.
Protein change: p.Phe465=; no amino-acid change (phenylalanine 465 retained).
Molecular consequence: synonymous variant.
Genome position (GRCh38, 1-based): chr17:30,210,569, G>A on the plus strand (C>T on the coding strand, the complement: SLC6A4 is on the minus strand). VCF-style: chr17-30210569-G-A. GRCh37 (hg19) VCF-style: chr17-28537587-G-A.
Identifiers: ClinVar variation 891506 (VCV000891506.5), dbSNP rs41274280, ClinGen allele CA8480176.
Genomic context (GRCh38, chr17:30,210,569, plus strand): 5'-ACTCACAAAAGTCAGGGTGACCAGGGATCCAAAGAAGCAGGTGATGACCACGGCGAGCAC[G>A]AACCGCTCCCGGCGCTTGGCCCAGACGTGTGGGAACTCATCCAGCACAGCCGTGATCACC-3'
Protein context (NP_001036.1, residues 455-475): PHVWAKRRER[Phe465=]VLAVVITCFF

ClinVar aggregate classification (germline): Likely benign. Review status: criteria provided, multiple submitters, no conflicts (2 of 4 stars). 2 submissions from 2 submitters: Likely benign (2). Last evaluated 2017-04-27.

Conditions:
Behavior disorder. Also called: Behavioral disorder. Identifiers: MedGen C0004930.

Allele frequency attached by ClinVar (database versions not stated): gnomAD exomes 0.00072 and 0.00088; ExAC 0.00106; ESP Exome Variant Server 0.00177; gnomAD 0.00225 and 0.00237; 1000 Genomes Project 30x 0.00265; TOPMed 0.00274; 1000 Genomes Project 0.00280.
gnomAD v4.1: 1,441 of 1,613,868 alleles (0.089%); highest among the groups gnomAD compares: Middle Eastern, 0.84%; 4 homozygotes.

Submissions (2):

Illumina Laboratory Services, Illumina
Classification: Likely benign for Behavior disorder. Last evaluated: 2017-04-27. Review status: criteria provided, single submitter. Criteria: ICSL Variant Classification Criteria 13 December 2019. Collection method: clinical testing. Allele origin: germline.
Comment: This variant was observed as part of a predisposition screen in an ostensibly healthy population. A literature search was performed for the gene, cDNA change, and amino acid change (where applicable). Publications were found based on this search. The evidence from the literature, in combination with allele frequency data from public databases where available, was sufficient to determine this variant is unlikely to cause disease. Therefore, this variant is classified as likely benign.

Breakthrough Genomics
Classification: Likely benign. Review status: criteria provided, single submitter. Criteria: ACMG Guidelines, 2015. Collection method: not provided. Allele origin: germline. Inheritance: Autosomal dominant inheritance. Affected: yes.

Literature cited by the submitters: PubMed 19360675 (cited by Illumina Laboratory Services, Illumina).